The following is an entry in ClinVar:

ClinVar aggregate classification (germline): Uncertain significance (1 of 4 stars; one submission).

Conditions:
Left ventricular noncompaction 8 (LVNC8). Identifiers: Orphanet 154, Orphanet 54260, MedGen C3809288, MONDO:0014152, OMIM 615373.

Submission:

Labcorp Genetics (formerly Invitae), Labcorp
Classification: Uncertain significance for Left ventricular noncompaction 8. Last evaluated: 2025-10-13. Review status: criteria provided, single submitter. Criteria: Invitae Variant Classification Sherloc (09022015). Collection method: clinical testing. Allele origin: germline.
Comment: This sequence change creates a premature translational stop signal (p.Gly652Profs*116) in the PRDM16 gene. It is expected to result in an absent or disrupted protein product. However, the current clinical and genetic evidence is not sufficient to establish whether loss-of-function variants in PRDM16 cause disease. This variant is not present in population databases (gnomAD no frequency). This variant has not been reported in the literature in individuals affected with PRDM16-related conditions. In summary, the available evidence is currently insufficient to determine the role of this variant in disease. Therefore, it has been classified as a Variant of Uncertain Significance.

NM_022114.4(PRDM16):c.1954_1973del (p.Gly652fs)

Gene: PRDM16 (PR/SET domain 16; plus strand). Cytogenetic location: 1p36.32.
Variant type: Deletion.
Coding change: c.1954_1973del on transcript NM_022114.4 (MANE Select); coding-DNA positions 1954 to 1973, 20 bases deleted (GGCTTGGCGCCCCCGGGGGC).
Protein change: p.Gly652fs; shifts the reading frame from glycine 652.
Molecular consequence: frameshift variant.
Genome position (GRCh38, 1-based): chr1:3,412,151-3,412,170, GGCTTGGCGCCCCCGGGGGC deleted; deleting any 20 consecutive bases within chr1:3,412,145-3,412,170 gives the same sequence; the c. name uses the placement nearest the transcript's 3' end. VCF-style (leftmost placement, unchanged base first): chr1-3412144-TGGGGGCGGCTTGGCGCCCCC-T. GRCh37 (hg19) VCF-style: chr1-3328708-TGGGGGCGGCTTGGCGCCCCC-T.
Other names: c.1954_1973del, p.Gly652fs (NM_199454.3); short protein forms G652fs.
Identifiers: ClinVar variation 4729095 (VCV004729095.1).